The following is an entry in ClinVar:

ClinVar aggregate classification (germline): Uncertain significance (1 of 4 stars; one submission).

Submission:

Labcorp Genetics (formerly Invitae), Labcorp
Classification: Uncertain significance. Last evaluated: 2022-07-12. Review status: criteria provided, single submitter. Criteria: Invitae Variant Classification Sherloc (09022015). Collection method: clinical testing. Allele origin: germline.
Comment: In summary, the available evidence is currently insufficient to determine the role of this variant in disease. Therefore, it has been classified as a Variant of Uncertain Significance. Algorithms developed to predict the effect of missense changes on protein structure and function are either unavailable or do not agree on the potential impact of this missense change (SIFT: "Tolerated"; PolyPhen-2: "Probably Damaging"; Align-GVGD: "Class C0"). This variant has not been reported in the literature in individuals affected with BRWD3-related conditions. This variant is not present in population databases (gnomAD no frequency). This sequence change replaces threonine, which is neutral and polar, with asparagine, which is neutral and polar, at codon 1405 of the BRWD3 protein (p.Thr1405Asn).

NM_153252.5(BRWD3):c.4214C>A (p.Thr1405Asn)

Gene: BRWD3 (bromodomain and WD repeat domain containing 3; minus strand). Cytogenetic location: Xq21.1.
Variant type: single nucleotide variant.
Coding change: c.4214C>A on transcript NM_153252.5 (MANE Select); coding-DNA position 4214, C replaced by A.
Protein change: p.Thr1405Asn; replaces threonine 1405 with asparagine.
Molecular consequence: missense variant.
Genome position (GRCh38, 1-based): chrX:80,684,029, G>T on the plus strand (C>A on the coding strand, the complement: BRWD3 is on the minus strand). VCF-style: chrX-80684029-G-T. GRCh37 (hg19) VCF-style: chrX-79939528-G-T.
Other names: short protein forms T1405N.
Identifiers: ClinVar variation 2087702 (VCV002087702.4), dbSNP rs2520215546, ClinGen allele CA413610398.